The following is an entry in ClinVar:

NM_002471.4(MYH6):c.3619G>A (p.Glu1207Lys)

Gene: MYH6 (myosin heavy chain 6; minus strand). Cytogenetic location: 14q11.2.
Variant type: single nucleotide variant.
Coding change: c.3619G>A on transcript NM_002471.4 (MANE Select); coding-DNA position 3619, G replaced by A.
Protein change: p.Glu1207Lys; replaces glutamic acid 1207 with lysine.
Molecular consequence: missense variant.
Genome position (GRCh38, 1-based): chr14:23,390,170, C>T on the plus strand (G>A on the coding strand, the complement: MYH6 is on the minus strand). VCF-style: chr14-23390170-C-T. GRCh37 (hg19) VCF-style: chr14-23859379-C-T.
Other names: short protein forms E1207K.
Identifiers: ClinVar variation 44488 (VCV000044488.33), dbSNP rs397516762, ClinGen allele CA134344.

ClinVar aggregate classification (germline): Uncertain significance. Review status: criteria provided, multiple submitters, no conflicts (2 of 4 stars). 10 submissions from 10 submitters: Uncertain significance (10). Last evaluated 2026-06-16.

Conditions:
MYH6-related disorder. Also called: MYH6-Related Disorders; MYH6-related condition.
Cardiovascular phenotype. Identifiers: MedGen CN230736.
Hypertrophic cardiomyopathy 1 (CMH1). Also called: Familial hypertrophic cardiomyopathy 1; MYH7-Related Familial Hypertrophic Cardiomyopathy. Identifiers: MedGen C3495498, MONDO:0008647, OMIM 192600.
Hypertrophic cardiomyopathy 14. Identifiers: MedGen C2750467, MONDO:0013197, OMIM 613251.
Dilated cardiomyopathy 1EE (CMD1EE). Identifiers: Orphanet 154, MedGen C2750466, MONDO:0013198, OMIM 613252.
Sick sinus syndrome 3, susceptibility to (SSS3). Identifiers: Orphanet 166282, MedGen C3279791, MONDO:0013568, OMIM 614090.
Atrial septal defect 3 (ASD3). Identifiers: Orphanet 1478, MedGen C3279790, MONDO:0013567, OMIM 614089.

Allele frequency attached by ClinVar (database versions not stated): gnomAD 0.00006; gnomAD exomes 0.00008 and 0.00009; ExAC 0.00009.
gnomAD v4.1: 141 of 1,608,330 alleles (0.0088%); highest among the groups gnomAD compares: Non-Finnish European, 0.011%; no homozygotes.

Submissions (10):

PreventionGenetics, part of Exact Sciences
Classification: Uncertain significance for MYH6-related condition. Last evaluated: 2026-06-16. Review status: criteria provided, single submitter. Criteria: ACMG Guidelines, 2015. Collection method: clinical testing. Allele origin: germline.
Comment: The MYH6 c.3619G>A variant is predicted to result in the amino acid substitution p.Glu1207Lys. This variant has been reported in the compound heterozygous state in an individual with hypoplastic left heart syndrome (Theis et al. 2015. PubMed ID: 26085007). It has also been reported in the heterozygous state in an individual with dilated cardiomyopathy who also carried a variant in the LMNA gene (Online Supplementary File 2, van Lint et al. 2019. PubMed ID: 30847666). In addition, this variant has been reported in a cohort study of pediatric cardiomyopathy (Ware et al. 2022. PubMed ID: 35026164).This variant is reported in 0.015% of alleles in individuals of European (Non-Finnish) descent in gnomAD. At this time, the clinical significance of this variant is uncertain due to the absence of conclusive functional and genetic evidence.

CeGaT Center for Human Genetics Tuebingen
Classification: Uncertain significance. Last evaluated: 2025-11-01. Review status: criteria provided, single submitter. Criteria: CeGaT Center For Human Genetics Tuebingen Variant Classification Criteria Version 2. Collection method: clinical testing. Allele origin: germline. Affected: yes. Observed: 1 variant allele.
Comment: MYH6: PP3

Labcorp Genetics (formerly Invitae), Labcorp
Classification: Uncertain significance for Hypertrophic cardiomyopathy 14. Last evaluated: 2024-08-16. Review status: criteria provided, single submitter. Criteria: Invitae Variant Classification Sherloc (09022015). Collection method: clinical testing. Allele origin: germline.
Comment: This sequence change replaces glutamic acid, which is acidic and polar, with lysine, which is basic and polar, at codon 1207 of the MYH6 protein (p.Glu1207Lys). This variant is present in population databases (rs397516762, gnomAD 0.01%). This missense change has been observed in individual(s) with hypoplastic left heart (PMID: 26085007). ClinVar contains an entry for this variant (Variation ID: 44488). Invitae Evidence Modeling of protein sequence and biophysical properties (such as structural, functional, and spatial information, amino acid conservation, physicochemical variation, residue mobility, and thermodynamic stability) indicates that this missense variant is expected to disrupt MYH6 protein function with a positive predictive value of 80%. In summary, the available evidence is currently insufficient to determine the role of this variant in disease. Therefore, it has been classified as a Variant of Uncertain Significance.

GeneDx
Classification: Uncertain significance. Last evaluated: 2023-12-12. Review status: criteria provided, single submitter. Criteria: GeneDx Variant Classification Process June 2021. Collection method: clinical testing. Allele origin: germline. Affected: yes.
Comment: Has been reported in individuals with hypoplastic left heart syndrome and cardiomyopathy (PMID: 26085007, 30847666, 35026164); In silico analysis supports that this missense variant has a deleterious effect on protein structure/function; This variant is associated with the following publications: (PMID: 33432820, 35026164, 35621855, 33949037, 30847666, 26085007)

Ambry Genetics
Classification: Uncertain significance for Cardiovascular phenotype. Last evaluated: 2023-03-14. Review status: criteria provided, single submitter. Criteria: Ambry General Variant Classification Scheme_2022. Collection method: clinical testing. Allele origin: germline.
Comment: The p.E1207K variant (also known as c.3619G>A), located in coding exon 24 of the MYH6 gene, results from a G to A substitution at nucleotide position 3619. The glutamic acid at codon 1207 is replaced by lysine, an amino acid with some similar properties. This alteration was reported in a proband with hypoplastic left heart syndrome who also carried a second missense alteration in MYH6; the p.E1207K alteration was also seen in the proband's unaffected father (Theis JL. Circ Cardiovasc Genet. 2015 Aug;8(4):564-71). This variant also co-occurred with a variant in the LMNA gene in an individual with dilated cardiomyopathy (van Lint FHM et al. Neth Heart J. 2019 Jun;27(6):304-309). This variant was also reported in a pediatric cardiomyopathy cohort (Ware SM et al. Am J Hum Genet, 2022 Feb;109:282-298). This amino acid position is highly conserved in available vertebrate species. In addition, the in silico prediction for this alteration is inconclusive. Since supporting evidence is limited at this time, the clinical significance of this alteration remains unclear.

Women's Health and Genetics/Laboratory Corporation of America, LabCorp
Classification: Uncertain significance. Last evaluated: 2022-06-16. Review status: criteria provided, single submitter. Criteria: LabCorp Variant Classification Summary - May 2015. Collection method: clinical testing. Allele origin: germline.
Comment: Variant summary: MYH6 c.3619G>A (p.Glu1207Lys) results in a conservative amino acid change located in the Myosin tail domain (IPR002928) of the encoded protein sequence. Four of five in-silico tools predict a damaging effect of the variant on protein function. The variant allele was found at a frequency of 8.4e-05 in 249396 control chromosomes, predominantly at a frequency of 0.00016 within the Non-Finnish European subpopulation in the gnomAD database. The observed variant frequency within Non-Finnish European control individuals in the gnomAD database is approximately 6-fold of the estimated maximal expected allele frequency for a pathogenic variant in MYH6 causing Cardiomyopathy phenotype (2.5e-05), suggesting that the variant is a benign polymorphism found primarily in populations of Non-Finnish European origin. In addition, a ClinVar submitter reports detection of the variant in one individual with HCM (SCV000061139.5). These reports do not provide unequivocal conclusions about association of the variant with Cardiomyopathy. To our knowledge, no experimental evidence demonstrating an impact on protein function has been reported. Six ClinVar submitters (evaluation after 2014) cite the variant as uncertain significance. Based on the evidence outlined above, the variant was classified as VUS-possibly benign.

Fulgent Genetics
Classification: Uncertain significance for Hypertrophic cardiomyopathy 1; Hypertrophic cardiomyopathy 14; Dilated cardiomyopathy 1EE; Atrial septal defect 3; Sick sinus syndrome 3, susceptibility to. Last evaluated: 2021-08-09. Review status: criteria provided, single submitter. Criteria: ACMG Guidelines, 2015. Collection method: clinical testing. Allele origin: unknown.

AiLife Diagnostics
Classification: Uncertain significance. Last evaluated: 2021-06-28. Review status: criteria provided, single submitter. Criteria: ACMG Guidelines, 2015. Collection method: clinical testing. Allele origin: germline. Affected: yes. Observed: 1 variant allele.

ARUP Laboratories, Molecular Genetics and Genomics, ARUP Laboratories
Classification: Uncertain significance. Last evaluated: 2020-01-31. Review status: criteria provided, single submitter. Criteria: ARUP Molecular Germline Variant Investigation Process. Collection method: clinical testing. Allele origin: germline.
Comment: The MYH6 c.3619G>A; p.Glu1207Lys variant (rs397516762) is reported in the literature in an individual affected with hypoplastic left heart (Theis 2015). This variant is found in the non-Finnish European population with an overall allele frequency of 0.01% (19/127454 alleles) in the Genome Aggregation Database. The glutamate at codon 1207 is highly conserved, and computational analyses (SIFT, PolyPhen-2) predict that this variant is deleterious. However, due to limited information, the clinical significance of the p.Glu1207Lys variant is uncertain at this time. References: Theis JL et al. Recessive MYH6 Mutations in Hypoplastic Left Heart With Reduced Ejection Fraction. Circ Cardiovasc Genet. 2015 Aug;8(4):564-71.

Laboratory for Molecular Medicine, Mass General Brigham Personalized Medicine
Classification: Uncertain significance. Last evaluated: 2016-04-27. Review status: criteria provided, single submitter. Criteria: LMM Criteria. Collection method: clinical testing. Allele origin: germline. Observed: 3 variant alleles.
Comment: This variant has been identified in 11/63888 Eur opean chromosomes by the Exome Aggregation Consortium (ExAC; dbSNP rs397516762). Computational prediction tools and conservation analysis suggest that the p.Glu1207Lys variant may impact the protein, though t his information is not predictive enough to determine pathogenicity. In summary, the clinical significance of the p.Glu1207Lys variant is uncertain.

Literature cited by the submitters: PubMed 26085007 (cited by 5 submitters); PubMed 30847666 (cited by Ambry Genetics); PubMed 35026164 (cited by Ambry Genetics); PubMed 33325730 (cited by Women's Health and Genetics/Laboratory Corporation of America, LabCorp).